The following is an entry in ClinVar:

ClinVar aggregate classification (germline): Pathogenic (1 of 4 stars; one submission).

Allele frequency attached by ClinVar (database versions not stated): gnomAD exomes below 0.00001.

Submission:

Labcorp Genetics (formerly Invitae), Labcorp
Classification: Pathogenic. Last evaluated: 2023-12-20. Review status: criteria provided, single submitter. Criteria: Invitae Variant Classification Sherloc (09022015). Collection method: clinical testing. Allele origin: germline.
Comment: This sequence change creates a premature translational stop signal (p.Trp206*) in the CHRNG gene. It is expected to result in an absent or disrupted protein product. Loss-of-function variants in CHRNG are known to be pathogenic (PMID: 16826520). This variant is not present in population databases (gnomAD no frequency). This variant has not been reported in the literature in individuals affected with CHRNG-related conditions. For these reasons, this variant has been classified as Pathogenic.

Literature cited by the submitters: PubMed 16826520.

NM_005199.5(CHRNG):c.617G>A (p.Trp206Ter)

Gene: CHRNG (cholinergic receptor nicotinic gamma subunit; plus strand). Cytogenetic location: 2q37.1.
Variant type: single nucleotide variant.
Coding change: c.617G>A on transcript NM_005199.5 (MANE Select); coding-DNA position 617, G replaced by A.
Protein change: p.Trp206Ter; replaces tryptophan 206 with a stop codon.
Molecular consequence: nonsense.
Genome position (GRCh38, 1-based): chr2:232,542,894, G>A. VCF-style: chr2-232542894-G-A. GRCh37 (hg19) VCF-style: chr2-233407604-G-A.
Other names: short protein forms W206*.
Identifiers: ClinVar variation 2990760 (VCV002990760.3), dbSNP rs2469751152, ClinGen allele CA351011501.
Genomic context (GRCh38, chr2:232,542,894, plus strand): 5'-CTAGCTCACGCTTCTTGTGCCCACTCCTGCCTGCCTGCCTGCCCGCAGAGAATGGGGAGT[G>A]GGCCATCCAGCACCGACCAGCCAAGATGCTCCTGGACCCAGCGGCGCCAGCCCAGGAAGC-3'